The following is an entry in ClinVar:

NM_001367823.1(ARHGEF18):c.2560C>T (p.Arg854Ter)

Gene: ARHGEF18 (Rho/Rac guanine nucleotide exchange factor 18; plus strand). Cytogenetic location: 19p13.2.
Variant type: single nucleotide variant.
Coding change: c.2560C>T on transcript NM_001367823.1 (MANE Select); coding-DNA position 2560, C replaced by T.
Protein change: p.Arg854Ter; replaces arginine 854 with a stop codon.
Molecular consequence: nonsense.
Genome position (GRCh38, 1-based): chr19:7,462,259, C>T. VCF-style: chr19-7462259-C-T. GRCh37 (hg19) VCF-style: chr19-7527145-C-T.
Other names: R666*; c.1834C>T, p.Arg612Ter (NM_001130955.2); c.1522C>T, p.Arg508Ter (NM_001367824.1, NM_015318.4); short protein forms R508*, R854*, R612*.
Identifiers: ClinVar variation 417755 (VCV000417755.6), dbSNP rs1064793000, ClinGen allele CA16616862.
Genomic context (GRCh38, chr19:7,462,259, plus strand): 5'-AAACAGCAGATCTACCTGGAGATGGCCGAGATGGGCGGCCTCGAAGACCTGCCCCAGCCC[C>T]GAGGCCTATTCCGTGGAGGGGACCCATCCGAGACCCTGCAGGGGGAGCTAATTCTCAAGT-3'

ClinVar aggregate classification (germline): Pathogenic. Review status: criteria provided, single submitter (1 of 4 stars). 2 submissions from 2 submitters: Pathogenic (1). 1 of the submissions does not count toward it. Last evaluated 2021-11-15.

Conditions:
Retinitis pigmentosa 78 (RP78). Identifiers: MedGen C4479481, MONDO:0044314, OMIM 617433.

Allele frequency attached by ClinVar (database versions not stated): TOPMed below 0.00001; gnomAD 0.00001.
gnomAD v4.1: 9 of 1,613,688 alleles (0.00056%); highest among the groups gnomAD compares: Admixed American, 0.0017%; no homozygotes.

Submissions (2):

Labcorp Genetics (formerly Invitae), Labcorp
Classification: Pathogenic. Last evaluated: 2021-11-15. Review status: criteria provided, single submitter. Criteria: Invitae Variant Classification Sherloc (09022015). Collection method: clinical testing. Allele origin: germline.
Comment: This sequence change creates a premature translational stop signal (p.Arg666*) in the ARHGEF18 gene. It is expected to result in an absent or disrupted protein product. Loss-of-function variants in ARHGEF18 are known to be pathogenic (PMID: 28132693). This variant is not present in population databases (gnomAD no frequency). This premature translational stop signal has been observed in individual(s) with inherited retinal dystrophy (PMID: 28132693). ClinVar contains an entry for this variant (Variation ID: 417755). For these reasons, this variant has been classified as Pathogenic.

OMIM
Classification: Pathogenic for RETINITIS PIGMENTOSA 78. Last evaluated: 2017-04-07. Review status: no assertion criteria provided. Collection method: literature only. Allele origin: germline. Not counted in ClinVar's aggregate classification.

Literature cited by the submitters: PubMed 28132693 (cited by Labcorp Genetics (formerly Invitae), Labcorp and OMIM).